The following is an entry in ClinVar:

NM_001256715.2(DNAAF3):c.1358G>C (p.Arg453Pro)

Genes: DNAAF3 (dynein axonemal assembly factor 3; minus strand), DNAAF3-AS1 (DNAAF3 antisense RNA 1; plus strand). Cytogenetic location: 19q13.42.
Variant type: single nucleotide variant.
Coding change: c.1358G>C on transcript NM_001256715.2 (MANE Select); coding-DNA position 1358, G replaced by C.
Protein change: p.Arg453Pro; replaces arginine 453 with proline.
Molecular consequence: missense variant.
Genome position (GRCh38, 1-based): chr19:55,159,330, C>G on the plus strand (G>C on the coding strand, the complement: DNAAF3 is on the minus strand). VCF-style: chr19-55159330-C-G. GRCh37 (hg19) VCF-style: chr19-55670698-C-G.
Other names: c.1559G>C, p.Arg520Pro (NM_001256714.1); c.1196G>C, p.Arg399Pro (NM_001256716.2); c.1499G>C, p.Arg500Pro (NM_178837.4); short protein forms R453P, R520P, R399P, R500P.
Identifiers: ClinVar variation 4549536 (VCV004549536.2).

ClinVar aggregate classification (germline): Uncertain significance. Review status: criteria provided, multiple submitters, no conflicts (2 of 4 stars). 2 submissions from 2 submitters: Uncertain significance (2). Last evaluated 2025-10-02.

Conditions:
Primary ciliary dyskinesia. Also called: Ciliary dyskinesia. Identifiers: Orphanet 244, MedGen C0008780, MONDO:0016575, HP:0012265.
DNAAF3-related disorder. Also called: DNAAF3-related condition.

gnomAD v4.1: 3 of 1,614,168 alleles (0.00019%); highest among the groups gnomAD compares: African/African-American, 0.0027%; no homozygotes.

Submissions (2):

Ambry Genetics
Classification: Uncertain significance for Primary ciliary dyskinesia. Last evaluated: 2025-10-02. Review status: criteria provided, single submitter. Criteria: Ambry Variant Classification Scheme 2023. Collection method: clinical testing. Allele origin: germline.

PreventionGenetics, part of Exact Sciences
Classification: Uncertain significance for DNAAF3-related condition. Last evaluated: 2025-06-23. Review status: criteria provided, single submitter. Criteria: ACMG Guidelines, 2015. Collection method: clinical testing. Allele origin: germline.
Comment: The DNAAF3 c.1559G>C variant is predicted to result in the amino acid substitution p.Arg520Pro. To our knowledge, this variant has not been reported in the literature. This variant is reported in 0.0065% of alleles in individuals of African descent in gnomAD. At this time, the clinical significance of this variant is uncertain due to the absence of conclusive functional and genetic evidence.